The following is an entry in ClinVar:

NM_014861.4(ATP2C2):c.2043C>T (p.Ala681=)

Gene: ATP2C2 (ATPase secretory pathway Ca2+ transporting 2; plus strand). Cytogenetic location: 16q24.1.
Variant type: single nucleotide variant.
Coding change: c.2043C>T on transcript NM_014861.4 (MANE Select); coding-DNA position 2043, C replaced by T.
Protein change: p.Ala681=; no amino-acid change (alanine 681 retained).
Molecular consequence: synonymous variant.
Genome position (GRCh38, 1-based): chr16:84,454,880, C>T. VCF-style: chr16-84454880-C-T. GRCh37 (hg19) VCF-style: chr16-84488486-C-T.
Other names: c.2043C>T, p.Ala681= (NM_001286527.3); c.1590C>T, p.Ala530= (NM_001291454.2).
Identifiers: ClinVar variation 3045079 (VCV003045079.2), dbSNP rs374595905, ClinGen allele CA8207858.

ClinVar aggregate classification (germline): Likely benign (0 of 4 stars; one submission).

Conditions:
ATP2C2-related disorder. Also called: ATP2C2-related condition.

Allele frequency attached by ClinVar (database versions not stated): ExAC 0.00007; gnomAD 0.00033; ESP Exome Variant Server 0.00039; TOPMed 0.00039.
gnomAD v4.1: 149 of 1,613,838 alleles (0.0092%); highest among the groups gnomAD compares: African/African-American, 0.14%; 1 homozygote.

Submission:

PreventionGenetics, part of Exact Sciences
Classification: Likely benign for ATP2C2-related condition. Last evaluated: 2019-10-28. Review status: no assertion criteria provided. Collection method: clinical testing. Allele origin: germline.
Comment: This variant is classified as likely benign based on ACMG/AMP sequence variant interpretation guidelines (Richards et al. 2015 PMID: 25741868, with internal and published modifications).